The following is an entry in ClinVar:

NM_001037333.3(CYFIP2):c.2830A>G (p.Ile944Val)

Gene: CYFIP2 (cytoplasmic FMR1 interacting protein 2; plus strand). Cytogenetic location: 5q33.3.
Variant type: single nucleotide variant.
Coding change: c.2830A>G on transcript NM_001037333.3 (MANE Select); coding-DNA position 2830, A replaced by G.
Protein change: p.Ile944Val; replaces isoleucine 944 with valine.
Molecular consequence: missense variant.
Genome position (GRCh38, 1-based): chr5:157,360,294, A>G. VCF-style: chr5-157360294-A-G. GRCh37 (hg19) VCF-style: chr5-156787302-A-G.
Other names: c.2752A>G, p.Ile918Val (NM_001291721.2); c.2905A>G, p.Ile969Val (NM_001291722.2); c.2830A>G, p.Ile944Val (NM_014376.4); short protein forms I918V, I944V, I969V.
Identifiers: ClinVar variation 4797617 (VCV004797617.1).

ClinVar aggregate classification (germline): Uncertain significance (1 of 4 stars; one submission).

gnomAD v4.1: 3 of 1,613,666 alleles (0.00019%); highest among the groups gnomAD compares: Non-Finnish European, 0.00025%; no homozygotes.

Submission:

Labcorp Genetics (formerly Invitae), Labcorp
Classification: Uncertain significance. Last evaluated: 2025-09-15. Review status: criteria provided, single submitter. Criteria: Invitae Variant Classification Sherloc (09022015). Collection method: clinical testing. Allele origin: germline.
Comment: This sequence change replaces isoleucine, which is neutral and non-polar, with valine, which is neutral and non-polar, at codon 944 of the CYFIP2 protein (p.Ile944Val). This variant is not present in population databases (gnomAD no frequency). This missense change has been observed in individual(s) with clinical features of CYFIP2-related conditions (internal data). Experimental studies and prediction algorithms are not available or were not evaluated, and the functional significance of this variant is currently unknown. In summary, the available evidence is currently insufficient to determine the role of this variant in disease. Therefore, it has been classified as a Variant of Uncertain Significance.